The following is an entry in ClinVar:

NM_000493.4(COL10A1):c.2032G>C (p.Ala678Pro)

Genes: COL10A1 (collagen type X alpha 1 chain; minus strand), NT5DC1 (5'-nucleotidase domain containing 1; plus strand). Cytogenetic location: 6q22.1.
Variant type: single nucleotide variant.
Coding change: c.2032G>C on transcript NM_000493.4 (MANE Select); coding-DNA position 2032, G replaced by C.
Protein change: p.Ala678Pro; replaces alanine 678 with proline.
Molecular consequence: missense variant. On other transcripts: intron variant (1).
Genome position (GRCh38, 1-based): chr6:116,120,084, C>G on the plus strand (G>C on the coding strand, the complement: COL10A1 is on the minus strand). VCF-style: chr6-116120084-C-G. GRCh37 (hg19) VCF-style: chr6-116441247-C-G.
Other names: c.2032G>C, p.Ala678Pro (NM_001424106.1, NM_001424107.1); c.529+2139C>G (NM_152729.3); short protein forms A678P.
Identifiers: ClinVar variation 3010240 (VCV003010240.4), dbSNP rs757586577, ClinGen allele CA3968071.

ClinVar aggregate classification (germline): Uncertain significance. Review status: criteria provided, multiple submitters, no conflicts (2 of 4 stars). 2 submissions from 2 submitters: Uncertain significance (2). Last evaluated 2024-02-05.

Conditions:
Inborn genetic diseases. Identifiers: MedGen C0950123, MeSH D030342.

Allele frequency attached by ClinVar (database versions not stated): gnomAD exomes below 0.00001; ExAC 0.00001; TOPMed 0.00001.
gnomAD v4.1: 3 of 1,613,772 alleles (0.00019%); highest among the groups gnomAD compares: East Asian, 0.0067%; no homozygotes.

Submissions (2):

Ambry Genetics
Classification: Uncertain significance for Inborn genetic diseases. Last evaluated: 2024-02-05. Review status: criteria provided, single submitter. Criteria: Ambry Variant Classification Scheme 2023. Collection method: clinical testing. Allele origin: germline.

Labcorp Genetics (formerly Invitae), Labcorp
Classification: Uncertain significance. Last evaluated: 2023-08-05. Review status: criteria provided, single submitter. Criteria: Invitae Variant Classification Sherloc (09022015). Collection method: clinical testing. Allele origin: germline.
Comment: This sequence change replaces alanine, which is neutral and non-polar, with proline, which is neutral and non-polar, at codon 678 of the COL10A1 protein (p.Ala678Pro). This variant is present in population databases (rs757586577, gnomAD 0.02%). This variant has not been reported in the literature in individuals affected with COL10A1-related conditions. Advanced modeling of protein sequence and biophysical properties (such as structural, functional, and spatial information, amino acid conservation, physicochemical variation, residue mobility, and thermodynamic stability) performed at Invitae indicates that this missense variant is not expected to disrupt COL10A1 protein function. In summary, the available evidence is currently insufficient to determine the role of this variant in disease. Therefore, it has been classified as a Variant of Uncertain Significance.